The following is an entry in ClinVar:

NM_004237.4(TRIP13):c.38C>T (p.Pro13Leu)

Gene: TRIP13 (thyroid hormone receptor interactor 13; plus strand). Cytogenetic location: 5p15.33.
Variant type: single nucleotide variant.
Coding change: c.38C>T on transcript NM_004237.4 (MANE Select); coding-DNA position 38, C replaced by T.
Protein change: p.Pro13Leu; replaces proline 13 with leucine.
Molecular consequence: missense variant.
Genome position (GRCh38, 1-based): chr5:893,036, C>T. VCF-style: chr5-893036-C-T. GRCh37 (hg19) VCF-style: chr5-893151-C-T.
Other names: c.38C>T, p.Pro13Leu (NM_001166260.2); short protein forms P13L.
Identifiers: ClinVar variation 4990393 (VCV004990393.1).

ClinVar aggregate classification (germline): Uncertain significance (1 of 4 stars; one submission).

Conditions:
TRIP13-related disorder. Also called: TRIP13-related condition.

gnomAD v4.1: 24 of 1,596,602 alleles (0.0015%); highest among the groups gnomAD compares: Admixed American, 0.0051%; no homozygotes.

Submission:

PreventionGenetics, part of Exact Sciences
Classification: Uncertain significance for TRIP13-related condition. Last evaluated: 2026-07-08. Review status: criteria provided, single submitter. Criteria: ACMG Guidelines, 2015. Collection method: clinical testing. Allele origin: germline.
Comment: The TRIP13 c.38C>T variant is predicted to result in the amino acid substitution p.Pro13Leu. To our knowledge, this variant has not been reported in the literature. This variant is reported in 0.0093% of alleles in individuals of European (Non-Finnish) descent in gnomAD. At the time of reporting it was not present in ClinVar. At this time, the clinical significance of this variant is uncertain due to the absence of conclusive functional and genetic evidence.